The following is an entry in ClinVar:

NM_000023.4(SGCA):c.551G>A (p.Arg184His)

Gene: SGCA (sarcoglycan alpha; plus strand). Cytogenetic location: 17q21.33.
Variant type: single nucleotide variant.
Coding change: c.551G>A on transcript NM_000023.4 (MANE Select); coding-DNA position 551, G replaced by A.
Protein change: p.Arg184His; replaces arginine 184 with histidine.
Molecular consequence: missense variant. On other transcripts: non-coding transcript variant (1).
Genome position (GRCh38, 1-based): chr17:50,168,539, G>A. VCF-style: chr17-50168539-G-A. GRCh37 (hg19) VCF-style: chr17-48245900-G-A.
Other names: c.551G>A, p.Arg184His (NM_001135697.3); short protein forms R184H.
Identifiers: ClinVar variation 572267 (VCV000572267.7), dbSNP rs142169382, ClinGen allele CA8643827.

ClinVar aggregate classification (germline): Uncertain significance. Review status: criteria provided, multiple submitters, no conflicts (2 of 4 stars). 3 submissions from 3 submitters: Uncertain significance (2). 1 of the submissions does not count toward it. Last evaluated 2024-06-05.

Conditions:
Autosomal recessive limb-girdle muscular dystrophy type 2D (LGMDR3). Also called: ADHALINOPATHY, PRIMARY; MUSCULAR DYSTROPHY, LIMB-GIRDLE, AUTOSOMAL RECESSIVE 3; DUCHENNE-LIKE AUTOSOMAL RECESSIVE MUSCULAR DYSTROPHY, TYPE 2. Identifiers: Orphanet 62, MedGen C2936332, MONDO:0011968, OMIM 608099. Disease mechanism: Affects gamma-sarcoglycan and also disrupts the integrity of the entire sarcoglycan complex..
Inborn genetic diseases. Identifiers: MedGen C0950123, MeSH D030342.

Allele frequency attached by ClinVar (database versions not stated): gnomAD exomes 0.00002; ExAC 0.00003; gnomAD 0.00003; TOPMed 0.00003; ESP Exome Variant Server 0.00008.
gnomAD v4.1: 20 of 1,574,406 alleles (0.0013%); highest among the groups gnomAD compares: African/African-American, 0.0054%; no homozygotes.

Submissions (3):

Ambry Genetics
Classification: Uncertain significance for Inborn genetic diseases. Last evaluated: 2024-06-05. Review status: criteria provided, single submitter. Criteria: Ambry Variant Classification Scheme 2023. Collection method: clinical testing. Allele origin: germline.

Labcorp Genetics (formerly Invitae), Labcorp
Classification: Uncertain significance for Autosomal recessive limb-girdle muscular dystrophy type 2D. Last evaluated: 2021-09-01. Review status: criteria provided, single submitter. Criteria: Invitae Variant Classification Sherloc (09022015). Collection method: clinical testing. Allele origin: germline.
Comment: This sequence change replaces arginine with histidine at codon 184 of the SGCA protein (p.Arg184His). The arginine residue is highly conserved and there is a small physicochemical difference between arginine and histidine. This variant is present in population databases (rs142169382, ExAC 0.007%). This variant has not been reported in the literature in individuals affected with SGCA-related conditions. Algorithms developed to predict the effect of missense changes on protein structure and function (SIFT, PolyPhen-2, Align-GVGD) all suggest that this variant is likely to be disruptive. In summary, the available evidence is currently insufficient to determine the role of this variant in disease. Therefore, it has been classified as a Variant of Uncertain Significance.

Natera, Inc.
Classification: Uncertain significance for Limb-girdle muscular dystrophy type 2D. Last evaluated: 2019-11-11. Review status: no assertion criteria provided. Collection method: clinical testing. Allele origin: germline. Not counted in ClinVar's aggregate classification.